The following is an entry in ClinVar:

ClinVar aggregate classification (germline): Uncertain significance. Review status: criteria provided, multiple submitters, no conflicts (2 of 4 stars). 3 submissions from 3 submitters: Uncertain significance (3). Last evaluated 2024-01-10.

Conditions:
Cardiovascular phenotype. Identifiers: MedGen CN230736.
Alstrom syndrome (ALMS). Identifiers: Orphanet 64, MedGen C0268425, MONDO:0008763, OMIM 203800.

gnomAD v4.1: 2 of 1,613,678 alleles (0.00012%); highest among the groups gnomAD compares: African/African-American, 0.0027%; no homozygotes.

Submissions (3):

Ambry Genetics
Classification: Uncertain significance for Cardiovascular phenotype. Last evaluated: 2024-01-10. Review status: criteria provided, single submitter. Criteria: Ambry Variant Classification Scheme 2023. Collection method: clinical testing. Allele origin: germline.
Comment: The p.S3548R variant (also known as c.10644C>G), located in coding exon 16 of the ALMS1 gene, results from a C to G substitution at nucleotide position 10644. The serine at codon 3548 is replaced by arginine, an amino acid with dissimilar properties. This amino acid position is well conserved in available vertebrate species. In addition, the in silico prediction for this alteration is inconclusive. Since supporting evidence is limited at this time, the clinical significance of this alteration remains unclear.

Labcorp Genetics (formerly Invitae), Labcorp
Classification: Uncertain significance for Alstrom syndrome. Last evaluated: 2022-10-13. Review status: criteria provided, single submitter. Criteria: Invitae Variant Classification Sherloc (09022015). Collection method: clinical testing. Allele origin: germline.
Comment: This sequence change replaces serine with arginine at codon 3548 of the ALMS1 protein (p.Ser3548Arg). The serine residue is highly conserved and there is a moderate physicochemical difference between serine and arginine. This variant is not present in population databases (gnomAD no frequency). This variant has not been reported in the literature in individuals affected with ALMS1-related conditions. ClinVar contains an entry for this variant (Variation ID: 1490102). Experimental studies and prediction algorithms are not available or were not evaluated, and the functional significance of this variant is currently unknown. In summary, the available evidence is currently insufficient to determine the role of this variant in disease. Therefore, it has been classified as a Variant of Uncertain Significance.

Fulgent Genetics
Classification: Uncertain significance for Alstrom syndrome. Last evaluated: 2022-03-17. Review status: criteria provided, single submitter. Criteria: ACMG Guidelines, 2015. Collection method: clinical testing. Allele origin: unknown.

NM_001378454.1(ALMS1):c.10641C>G (p.Ser3547Arg)

Gene: ALMS1 (ALMS1 centrosome and basal body associated protein; plus strand). Cytogenetic location: 2p13.1.
Variant type: single nucleotide variant.
Coding change: c.10641C>G on transcript NM_001378454.1 (MANE Select); coding-DNA position 10641, C replaced by G.
Protein change: p.Ser3547Arg; replaces serine 3547 with arginine.
Molecular consequence: missense variant.
Genome position (GRCh38, 1-based): chr2:73,572,518, C>G. VCF-style: chr2-73572518-C-G. GRCh37 (hg19) VCF-style: chr2-73799645-C-G.
Other names: c.10644C>G, p.Ser3548Arg (NM_015120.4); short protein forms S3548R, S3547R.
Identifiers: ClinVar variation 1490102 (VCV001490102.5), dbSNP rs893243465, ClinGen allele CA347284419.